The following is an entry in ClinVar:

ClinVar aggregate classification (germline): Uncertain significance. Review status: criteria provided, multiple submitters, no conflicts (2 of 4 stars). 2 submissions from 2 submitters: Uncertain significance (2). Last evaluated 2026-03-30.

Conditions:
Inborn genetic diseases. Identifiers: MedGen C0950123, MeSH D030342.

Allele frequency attached by ClinVar (database versions not stated): gnomAD 0.00001; gnomAD exomes 0.00002; TOPMed below 0.00001.
gnomAD v4.1: 11 of 1,611,062 alleles (0.00068%); highest among the groups gnomAD compares: Non-Finnish European, 0.00093%; no homozygotes.

Submissions (2):

GeneDx
Classification: Uncertain significance. Last evaluated: 2026-03-30. Review status: criteria provided, single submitter. Criteria: GeneDx Variant Classification Process June 2021. Collection method: clinical testing. Allele origin: germline.
Comment: Not observed at significant frequency in large population cohorts (gnomAD); In silico analysis supports that this missense variant has a deleterious effect on protein structure/function; Has not been previously published as pathogenic or benign to our knowledge

Ambry Genetics
Classification: Uncertain significance for Inborn genetic diseases. Last evaluated: 2022-11-01. Review status: criteria provided, single submitter. Criteria: Ambry Variant Classification Scheme 2023. Collection method: clinical testing. Allele origin: germline.

NM_020987.5(ANK3):c.3556G>T (p.Asp1186Tyr)

Gene: ANK3 (ankyrin 3; minus strand). Cytogenetic location: 10q21.2.
Variant type: single nucleotide variant.
Coding change: c.3556G>T on transcript NM_020987.5 (MANE Select); coding-DNA position 3556, G replaced by T.
Protein change: p.Asp1186Tyr; replaces aspartic acid 1186 with tyrosine.
Molecular consequence: missense variant.
Genome position (GRCh38, 1-based): chr10:60,086,869, C>A on the plus strand (G>T on the coding strand, the complement: ANK3 is on the minus strand). VCF-style: chr10-60086869-C-A. GRCh37 (hg19) VCF-style: chr10-61846627-C-A.
Other names: c.958G>T, p.Asp320Tyr (NM_001149.4); c.3538G>T, p.Asp1180Tyr (NM_001204403.2); c.3559G>T, p.Asp1187Tyr (NM_001204404.2); c.3556G>T, p.Asp1186Tyr (NM_001320874.2); short protein forms D1186Y, D320Y, D1187Y, D1180Y.
Identifiers: ClinVar variation 2408710 (VCV002408710.4), dbSNP rs1406706625, ClinGen allele CA376987552.